The following is an entry in ClinVar:

ClinVar aggregate classification (germline): Uncertain significance (1 of 4 stars; one submission).

Conditions:
Long QT syndrome (LQTS). Identifiers: MedGen C0023976, MeSH D008133, MONDO:0002442. Disease mechanism: loss of function. Inheritance: Various modes of inheritance.

Submission:

Labcorp Genetics (formerly Invitae), Labcorp
Classification: Uncertain significance for Long QT syndrome. Last evaluated: 2020-09-15. Review status: criteria provided, single submitter. Criteria: Invitae Variant Classification Sherloc (09022015). Collection method: clinical testing. Allele origin: germline.
Comment: In summary, the available evidence is currently insufficient to determine the role of this variant in disease. Therefore, it has been classified as a Variant of Uncertain Significance. Algorithms developed to predict the effect of missense changes on protein structure and function are either unavailable or do not agree on the potential impact of this missense change (SIFT: "Tolerated"; PolyPhen-2: "Probably Damaging"; Align-GVGD: "Class C0"). This variant has not been reported in the literature in individuals with ANK2-related conditions. This variant is not present in population databases (ExAC no frequency). This sequence change replaces glutamic acid with glutamine at codon 3819 of the ANK2 protein (p.Glu3819Gln). The glutamic acid residue is moderately conserved and there is a small physicochemical difference between glutamic acid and glutamine.

NM_001148.6(ANK2):c.11455G>C (p.Glu3819Gln)

Gene: ANK2 (ankyrin 2; plus strand). Cytogenetic location: 4q26.
Variant type: single nucleotide variant.
Coding change: c.11455G>C on transcript NM_001148.6 (MANE Select); coding-DNA position 11455, G replaced by C.
Protein change: p.Glu3819Gln; replaces glutamic acid 3819 with glutamine.
Molecular consequence: missense variant.
Genome position (GRCh38, 1-based): chr4:113,369,650, G>C. VCF-style: chr4-113369650-G-C. GRCh37 (hg19) VCF-style: chr4-114290806-G-C.
Other names: c.5173G>C, p.Glu1725Gln (NM_001127493.3); c.5212G>C, p.Glu1738Gln (NM_001354225.2); c.5101G>C, p.Glu1701Gln (NM_001354228.2, NM_001354258.2); c.5179G>C, p.Glu1727Gln (NM_001354230.2); c.5242G>C, p.Glu1748Gln (NM_001354231.2, NM_001354242.2); c.5236G>C, p.Glu1746Gln (NM_001354232.2); c.5197G>C, p.Glu1733Gln (NM_001354235.2, NM_001354246.2, NM_001354265.2); c.5098G>C, p.Glu1700Gln (NM_001354236.2); and 35 more; short protein forms E1573Q, E1606Q, E1634Q, E1639Q, E1647Q, E1656Q, E1659Q, E1661Q.
Identifiers: ClinVar variation 1009346 (VCV001009346.5), dbSNP rs1203748896, ClinGen allele CA357942756.
Genomic context (GRCh38, chr4:113,369,650, plus strand): 5'-GAGGAAGTTAGCACCCCTGCAGAGGAGGAGAAGCTGTACCTCCAGACCCCAACATCCAGC[G>C]AGCGGGGAGGCTCTCCCATCATACAAGAACCCGAAGAGCCCTCAGAGCACAGAGAGGAGA-3'
Protein context (NP_001139.3, residues 3809-3829): KLYLQTPTSS[Glu3819Gln]RGGSPIIQEP